The following is an entry in ClinVar:

NM_152565.1(ATP6V0D2):c.-54C>T

Gene: ATP6V0D2 (ATPase H+ transporting V0 subunit d2; plus strand). Cytogenetic location: 8q21.3.
Variant type: single nucleotide variant.
Coding change: c.-54C>T on transcript NM_152565.1 (MANE Select); 54 bases upstream of the start codon, C replaced by T.
Molecular consequence: 5 prime UTR variant.
Genome position (GRCh38, 1-based): chr8:86,098,925, C>T. VCF-style: chr8-86098925-C-T. GRCh37 (hg19) VCF-style: chr8-87111154-C-T.
Identifiers: ClinVar variation 2429602 (VCV002429602.1), dbSNP rs74667635, ClinGen allele CA180274582.
Genomic context (GRCh38, chr8:86,098,925, plus strand): 5'-TTGCTTGTGCTGCCTGATAATTACTCGCACTTTTCCCAGGCTAGTGCAAATCTTCAGGGG[C>T]CGTCCAGGACTACAGAGCTGTTTCACCCTACCTTGGCTTCAATCTCTTCCCCCATGCTCG-3'

ClinVar aggregate classification (germline): Likely benign (1 of 4 stars; one submission).

Allele frequency attached by ClinVar (database versions not stated): gnomAD 0.01113; TOPMed 0.01599; 1000 Genomes Project 30x 0.04325; 1000 Genomes Project 0.04513.
gnomAD v4.1: 11,170 of 1,571,270 alleles (0.71%); highest among the groups gnomAD compares: East Asian, 13%; 613 homozygotes.

Submission:

GeneDx
Classification: Likely benign. Last evaluated: 2020-09-15. Review status: criteria provided, single submitter. Criteria: GeneDx Variant Classification Process June 2021. Collection method: clinical testing. Allele origin: germline. Affected: yes.
Comment: See Variant Classification Assertion Criteria.